The following is an entry in ClinVar:

ClinVar aggregate classification (germline): Uncertain significance (1 of 4 stars; one submission).

Allele frequency attached by ClinVar (database versions not stated): gnomAD exomes 0.00001; TOPMed 0.00001.
gnomAD v4.1: 4 of 1,614,152 alleles (0.00025%); highest among the groups gnomAD compares: Non-Finnish European, 0.00025%; no homozygotes.

Submission:

Labcorp Genetics (formerly Invitae), Labcorp
Classification: Uncertain significance. Last evaluated: 2025-08-13. Review status: criteria provided, single submitter. Criteria: Invitae Variant Classification Sherloc (09022015). Collection method: clinical testing. Allele origin: germline.
Comment: This sequence change replaces serine, which is neutral and polar, with phenylalanine, which is neutral and non-polar, at codon 484 of the NLRP1 protein (p.Ser484Phe). This variant is present in population databases (no rsID available, gnomAD 0.0009%). This variant has not been reported in the literature in individuals affected with NLRP1-related conditions. ClinVar contains an entry for this variant (Variation ID: 2962400). An algorithm developed to predict the effect of missense changes on protein structure and function outputs the following: PolyPhen-2: "Possibly Damaging". The phenylalanine amino acid residue is found in multiple mammalian species, which suggests that this missense change does not adversely affect protein function. In summary, the available evidence is currently insufficient to determine the role of this variant in disease. Therefore, it has been classified as a Variant of Uncertain Significance.

NM_033004.4(NLRP1):c.1451C>T (p.Ser484Phe)

Gene: NLRP1 (NLR family pyrin domain containing 1; minus strand). Cytogenetic location: 17p13.2.
Variant type: single nucleotide variant.
Coding change: c.1451C>T on transcript NM_033004.4 (MANE Select); coding-DNA position 1451, C replaced by T.
Protein change: p.Ser484Phe; replaces serine 484 with phenylalanine.
Molecular consequence: missense variant.
Genome position (GRCh38, 1-based): chr17:5,559,245, G>A on the plus strand (C>T on the coding strand, the complement: NLRP1 is on the minus strand). VCF-style: chr17-5559245-G-A. GRCh37 (hg19) VCF-style: chr17-5462565-G-A.
Other names: c.1451C>T, p.Ser484Phe (NM_001033053.3, NM_014922.5, NM_033006.4 and 1 more transcripts); short protein forms S484F.
Identifiers: ClinVar variation 2962400 (VCV002962400.3), dbSNP rs1484398935, ClinGen allele CA397385829.
Genomic context (GRCh38, chr17:5,559,245, plus strand): 5'-AAGGCTCTAATTGCTTGCCTTTCATCTGTGAAATATCTGTAGAAATATTCCTTCCTGCTG[G>A]ACTCAGAGAACCCCAGGACCTCTACCCAACGTGCCTGCTCCAAAGAAGGAATGAGGTTCT-3'
Protein context (NP_127497.1, residues 474-494): RWVEVLGFSE[Ser484Phe]SRKEYFYRYF